The following is an entry in ClinVar:

ClinVar aggregate classification (germline): Pathogenic (1 of 4 stars; one submission).

Conditions:
Neurofibromatosis, type 1 (NF1). Also called: VON RECKLINGHAUSEN DISEASE; NEUROFIBROMATOSIS, TYPE I, SOMATIC; Peripheral type neurofibromatosis; Neurofibromatosis, type I. Identifiers: Orphanet 636, MedGen C0027831, MONDO:0018975, OMIM 162200. Disease mechanism: loss of function.

Submission:

Women's Health and Genetics/Laboratory Corporation of America, LabCorp
Classification: Pathogenic for Neurofibromatosis, type 1. Last evaluated: 2025-02-21. Review status: criteria provided, single submitter. Criteria: LabCorp Variant Classification Summary - May 2015. Collection method: clinical testing. Allele origin: germline.
Comment: Variant summary: NF1 c.7394+1delG is located in a canonical splice-site and is predicted to affect mRNA splicing resulting in a significantly altered protein due to either exon skipping, shortening, or inclusion of intronic material. Variants that disrupt the consensus splice site are a relatively common cause of aberrant splicing and loss of NF1 function. Several computational tools predict a significant impact on normal splicing: Three predict the variant creates a 5' donor site. Three predict the variant abolishes a 5' splicing donor site. Two predict the variant creates a 3' acceptor site. However, these predictions have yet to be confirmed by functional studies. This variant is in a "GG" dinucleotide at the exon/intron juction with another "G" residue immediately following in exon 50, and is alternately reportable as "c.7395del p.(Thr2466Hisfs*2)" due to HGVS 3' rule. The variant was absent in 250852 control chromosomes. To our knowledge, no occurrence of c.7394+1delG in individuals affected with Neurofibromatosis Type 1 and no experimental evidence demonstrating its impact on protein function have been reported. No submitters have cited clinical-significance assessments for this variant to ClinVar. Based on the evidence outlined above, the variant was classified as pathogenic.

NM_001042492.3(NF1):c.7457+1del

Gene: NF1 (neurofibromin 1; plus strand). Cytogenetic location: 17q11.2.
Variant type: Deletion.
Coding change: c.7457+1del on transcript NM_001042492.3 (MANE Select); the canonical splice donor site of the intron after coding-DNA position 7457, one base deleted (G; older notation c.7457+1delG).
Molecular consequence: splice donor variant.
Genome position (GRCh38, 1-based): chr17:31,350,319, G deleted; the last of 2 consecutive G bases (chr17:31,350,318-31,350,319); deleting either gives the same sequence. VCF-style (leftmost placement, unchanged base first): chr17-31350317-AG-A. GRCh37 (hg19) VCF-style: chr17-29677335-AG-A.
Other names: c.7394+1delG (NM_000267.3); c.7394+1del (NM_000267.4).
Identifiers: ClinVar variation 3768899 (VCV003768899.1).